The following is an entry in ClinVar:

NM_001382430.1(AKT1):c.1432G>A (p.Gly478Ser)

Gene: AKT1 (AKT serine/threonine kinase 1; minus strand). Cytogenetic location: 14q32.33.
Variant type: single nucleotide variant.
Coding change: c.1432G>A on transcript NM_001382430.1 (MANE Select); coding-DNA position 1432, G replaced by A.
Protein change: p.Gly478Ser; replaces glycine 478 with serine.
Molecular consequence: missense variant.
Genome position (GRCh38, 1-based): chr14:104,770,352, C>T on the plus strand (G>A on the coding strand, the complement: AKT1 is on the minus strand). VCF-style: chr14-104770352-C-T. GRCh37 (hg19) VCF-style: chr14-105236689-C-T.
Other names: c.1432G>A, p.Gly478Ser (NM_001014431.2, NM_001014432.2, NM_001382431.1 and 3 more transcripts); short protein forms G478S.
Identifiers: ClinVar variation 575013 (VCV000575013.10), dbSNP rs1205616929, ClinGen allele CA391214217.
Genomic context (GRCh38, chr14:104,770,352, plus strand): 5'-CCGCCTCTCCATCCCTCCAAGCTATCGTCCAGCGCAGTCCACCGCCGCCTCAGGCCGTGC[C>T]GCTGGCCGAGTAGGAGAACTGGGGGAAGTGGGGCCTGCGCTCGCTGTCCACACACTCCAT-3'
Protein context (NP_001369359.1, residues 468-480): HFPQFSYSAS[Gly478Ser]TA

ClinVar aggregate classification (germline): Uncertain significance (1 of 4 stars; one submission).

Conditions:
Cowden syndrome 6 (CWS6). Identifiers: Orphanet 201, MedGen C3554519, MONDO:0014048, OMIM 615109.

Allele frequency attached by ClinVar (database versions not stated): gnomAD exomes below 0.00001 and 0.00001; gnomAD 0.00001; TOPMed 0.00001.
gnomAD v4.1: 4 of 1,611,790 alleles (0.00025%); highest among the groups gnomAD compares: South Asian, 0.0011%; no homozygotes.

Submission:

Labcorp Genetics (formerly Invitae), Labcorp
Classification: Uncertain significance for Cowden syndrome 6. Last evaluated: 2023-05-31. Review status: criteria provided, single submitter. Criteria: Invitae Variant Classification Sherloc (09022015). Collection method: clinical testing. Allele origin: germline.
Comment: In summary, the available evidence is currently insufficient to determine the role of this variant in disease. Therefore, it has been classified as a Variant of Uncertain Significance. An algorithm developed to predict the effect of missense changes on protein structure and function (PolyPhen-2) suggests that this variant is likely to be disruptive. ClinVar contains an entry for this variant (Variation ID: 575013). This variant has not been reported in the literature in individuals affected with AKT1-related conditions. The frequency data for this variant in the population databases is considered unreliable, as metrics indicate poor data quality at this position in the gnomAD database. This sequence change replaces glycine, which is neutral and non-polar, with serine, which is neutral and polar, at codon 478 of the AKT1 protein (p.Gly478Ser).